The following is an entry in ClinVar:

NM_000548.5(TSC2):c.2117_2120dup (p.Lys707fs)

Gene: TSC2 (TSC complex subunit 2; plus strand). Cytogenetic location: 16p13.3.
Variant type: Duplication.
Coding change: c.2117_2120dup on transcript NM_000548.5 (MANE Select); coding-DNA positions 2117 to 2120, 4 bases duplicated (TGAA; older notation c.2117_2120dupTGAA).
Protein change: p.Lys707fs; shifts the reading frame from lysine 707.
Molecular consequence: frameshift variant. On other transcripts: non-coding transcript variant (5).
Genome position (GRCh38, 1-based): chr16:2,072,260-2,072,263, TGAA duplicated. VCF-style (leftmost placement, unchanged base first): chr16-2072259-C-CTGAA. GRCh37 (hg19) VCF-style: chr16-2122260-C-CTGAA.
Other names: c.2117_2120dup, p.Lys707fs (NM_001077183.3, NM_001114382.3, NM_001363528.2 and 6 more transcripts); c.2006_2009dup, p.Lys670fs (NM_001318827.2, NM_001406670.1, NM_001406678.1); c.1970_1973dup, p.Lys658fs (NM_001318829.2, NM_001406675.1, NM_001406676.1 and 1 more transcripts); c.1517_1520dup, p.Lys507fs (NM_001318831.2, NM_001406682.1, NM_001406683.1 and 6 more transcripts); c.2150_2153dup, p.Lys718fs (NM_001318832.2); c.2207_2210dup, p.Lys737fs (NM_001406667.1, NM_001406668.1); c.2105_2108dup, p.Lys703fs (NM_001406671.1, NM_001406673.1); c.2060_2063dup, p.Lys688fs (NM_001406677.1); and 3 more; short protein forms K507fs, K707fs, K718fs, K737fs, K259fs, K553fs, K670fs, K688fs.
Identifiers: ClinVar variation 3721969 (VCV003721969.2).

ClinVar aggregate classification (germline): Pathogenic (1 of 4 stars; one submission).

Conditions:
Tuberous sclerosis 2 (TSC2). Identifiers: Orphanet 805, MedGen C1860707, MONDO:0013199, OMIM 613254.

Submission:

Labcorp Genetics (formerly Invitae), Labcorp
Classification: Pathogenic for Tuberous sclerosis 2. Last evaluated: 2024-10-01. Review status: criteria provided, single submitter. Criteria: Invitae Variant Classification Sherloc (09022015). Collection method: clinical testing. Allele origin: germline.
Comment: This sequence change creates a premature translational stop signal (p.Lys707Asnfs*10) in the TSC2 gene. It is expected to result in an absent or disrupted protein product. Loss-of-function variants in TSC2 are known to be pathogenic (PMID: 10205261, 17304050). This variant is not present in population databases (gnomAD no frequency). This variant has not been reported in the literature in individuals affected with TSC2-related conditions. Algorithms developed to predict the effect of sequence changes on RNA splicing suggest that this variant may disrupt the consensus splice site. For these reasons, this variant has been classified as Pathogenic.

Literature cited by the submitters: PubMed 10205261; PubMed 17304050.